The following is an entry in ClinVar:

NM_001844.5(COL2A1):c.2071G>T (p.Ala691Ser)

Gene: COL2A1 (collagen type II alpha 1 chain; minus strand). Cytogenetic location: 12q13.11.
Variant type: single nucleotide variant.
Coding change: c.2071G>T on transcript NM_001844.5 (MANE Select); coding-DNA position 2071, G replaced by T.
Protein change: p.Ala691Ser; replaces alanine 691 with serine.
Molecular consequence: missense variant.
Genome position (GRCh38, 1-based): chr12:47,983,116, C>A on the plus strand (G>T on the coding strand, the complement: COL2A1 is on the minus strand). VCF-style: chr12-47983116-C-A. GRCh37 (hg19) VCF-style: chr12-48376899-C-A.
Other names: c.1864G>T, p.Ala622Ser (NM_033150.3); short protein forms A622S, A691S.
Identifiers: ClinVar variation 2505044 (VCV002505044.1), dbSNP rs1250885285, ClinGen allele CA384547518.

ClinVar aggregate classification (germline): Uncertain significance (1 of 4 stars; one submission).

Submission:

GeneDx
Classification: Uncertain significance. Last evaluated: 2022-12-08. Review status: criteria provided, single submitter. Criteria: GeneDx Variant Classification Process June 2021. Collection method: clinical testing. Allele origin: germline. Affected: yes.
Comment: Has not been previously published as pathogenic or benign to our knowledge; Not observed at significant frequency in large population cohorts (gnomAD); In silico analysis supports that this missense variant does not alter protein structure/function; Occurs in the triple helical domain at the X position in the canonical Gly-X-Y repeat; although this variant may have an effect on normal protein folding and function, missense substitution at the X position is not a common mechanism of disease (HGMD)